The following is an entry in ClinVar:

NM_133433.4(NIPBL):c.832G>C (p.Val278Leu)

Gene: NIPBL (NIPBL cohesin loading factor; plus strand). Cytogenetic location: 5p13.2.
Variant type: single nucleotide variant.
Coding change: c.832G>C on transcript NM_133433.4 (MANE Select); coding-DNA position 832, G replaced by C.
Protein change: p.Val278Leu; replaces valine 278 with leucine.
Molecular consequence: missense variant.
Genome position (GRCh38, 1-based): chr5:36,972,005, G>C. VCF-style: chr5-36972005-G-C. GRCh37 (hg19) VCF-style: chr5-36972107-G-C.
Other names: c.832G>C, p.Val278Leu (NM_001438586.1, NM_015384.5); short protein forms V278L.
Identifiers: ClinVar variation 4884913 (VCV004884913.2).
Genomic context (GRCh38, chr5:36,972,005, plus strand): 5'-GATGGAGATTCTTCAACAATGAGGAATGCTGCATCTTTTCCCTTGAGATCTCCACAGCCA[G>C]TATGCTCCCCTGCTGGAAGTGAAGGAACTCCTAAAGGTACTACTGTAACTAAAATTTCCT-3'
Protein context (NP_597677.2, residues 268-288): ASFPLRSPQP[Val278Leu]CSPAGSEGTP

ClinVar aggregate classification (germline): Uncertain significance (1 of 4 stars; one submission).

Submission:

Dasa
Classification: Uncertain significance. Last evaluated: 2025-10-31. Review status: criteria provided, single submitter. Criteria: DASA Assertion Criteria. Collection method: clinical testing. Allele origin: germline.
Comment: NM_133433.4(NIPBL):c.832G>C (p.Val278Leu) is a missense variant that results in the substitution of valine with leucine. This variant is absent from population databases. The currently available literature and clinical evidence are not sufficient to establish a definitive association between this variant and the reported condition. Therefore, this variant is classified as a variant of uncertain significance.